The following is an entry in ClinVar:

NM_178557.4(ASPNAT):c.212_230del (p.Gly71fs)

Gene: ASPNAT (aspartate N-acetyltransferase; plus strand). Cytogenetic location: 4p16.3.
Variant type: Deletion.
Coding change: c.212_230del on transcript NM_178557.4 (MANE Select); coding-DNA positions 212 to 230, 19 bases deleted (GGCCGCCGGGGGGGCGCGG).
Protein change: p.Gly71fs; shifts the reading frame from glycine 71.
Molecular consequence: frameshift variant.
Genome position (GRCh38, 1-based): chr4:2,059,723-2,059,741, GGCCGCCGGGGGGGCGCGG deleted; deleting any 19 consecutive bases within chr4:2,059,712-2,059,741 gives the same sequence; the c. name uses the placement nearest the transcript's 3' end. VCF-style (leftmost placement, unchanged base first): chr4-2059711-CGGGGGGCGCGGGGCCGCCG-C. GRCh37 (hg19) VCF-style: chr4-2061438-CGGGGGGCGCGGGGCCGCCG-C.
Other names: short protein forms G71fs.
Identifiers: ClinVar variation 30849 (VCV000030849.1), dbSNP rs587777212, ClinGen allele CA150746.

ClinVar aggregate classification (germline): no classifications from unflagged records (0 of 4 stars; one submission).

Conditions:
N-acetylaspartate deficiency (NACED). Also called: NAA DEFICIENCY; HYPOACETYLASPARTIA. Identifiers: MedGen C3279716, MONDO:0013549, OMIM 614063.

Submission:

OMIM
Classification: Pathogenic for N-ACETYLASPARTATE DEFICIENCY (1 patient). Last evaluated: 2009-12-14. Review status: flagged submission. Collection method: literature only. Allele origin: germline.
ClinVar note: Notes: Flagging candidate with reason of insufficient supporting evidence. This gene has been classified as having a limited gene-disease relationship by a ClinGen Expert Panel.
ClinVar note: Reason: P/LP classification for a variant in a gene with insufficient evidence for a gene-disease relationship

Literature cited by the submitters: PubMed 19807691.